The following is an entry in ClinVar:

ClinVar aggregate classification (germline): Uncertain significance. Review status: criteria provided, multiple submitters, no conflicts (2 of 4 stars). 2 submissions from 2 submitters: Uncertain significance (2). Last evaluated 2025-06-23.

Conditions:
Immunodeficiency 39 (IMD39). Identifiers: Orphanet 574918, MedGen C4225358, MONDO:0014597, OMIM 616345.

gnomAD v4.1: 7 of 1,607,836 alleles (0.00044%); highest among the groups gnomAD compares: African/African-American, 0.0094%; no homozygotes.

Submissions (2):

Ambry Genetics
Classification: Uncertain significance. Last evaluated: 2025-06-23. Review status: criteria provided, single submitter. Criteria: Ambry Variant Classification Scheme 2023. Collection method: clinical testing. Allele origin: germline.

Labcorp Genetics (formerly Invitae), Labcorp
Classification: Uncertain significance for Immunodeficiency 39. Last evaluated: 2024-02-20. Review status: criteria provided, single submitter. Criteria: Invitae Variant Classification Sherloc (09022015). Collection method: clinical testing. Allele origin: germline.
Comment: This sequence change replaces serine, which is neutral and polar, with arginine, which is basic and polar, at codon 258 of the IRF7 protein (p.Ser258Arg). This variant is not present in population databases (gnomAD no frequency). This variant has not been reported in the literature in individuals affected with IRF7-related conditions. An algorithm developed to predict the effect of missense changes on protein structure and function (PolyPhen-2) suggests that this variant is likely to be tolerated. In summary, the available evidence is currently insufficient to determine the role of this variant in disease. Therefore, it has been classified as a Variant of Uncertain Significance.

NM_001572.5(IRF7):c.735C>A (p.Ser245Arg)

Gene: IRF7 (interferon regulatory factor 7; minus strand). Cytogenetic location: 11p15.5.
Variant type: single nucleotide variant.
Coding change: c.735C>A on transcript NM_001572.5 (MANE Select); coding-DNA position 735, C replaced by A.
Protein change: p.Ser245Arg; replaces serine 245 with arginine.
Molecular consequence: missense variant. On other transcripts: intron variant (1).
Genome position (GRCh38, 1-based): chr11:613,982, G>T on the plus strand (C>A on the coding strand, the complement: IRF7 is on the minus strand). VCF-style: chr11-613982-G-T. GRCh37 (hg19) VCF-style: chr11-613982-G-T.
Other names: c.774C>A (NM_004031.2); c.774C>A, p.Ser258Arg (NM_004031.4); c.680-117C>A (NM_004029.4); short protein forms S245R, S258R.
Identifiers: ClinVar variation 3627514 (VCV003627514.3).